The following is an entry in ClinVar:

ClinVar aggregate classification (germline): Conflicting classifications of pathogenicity. Review status: criteria provided, conflicting classifications (1 of 4 stars). 5 submissions from 5 submitters: Likely pathogenic (1); Uncertain significance (4). Last evaluated 2025-10-08.

Conditions:
Inborn genetic diseases. Identifiers: MedGen C0950123, MeSH D030342.
Deficiency of beta-ureidopropionase (UPB1D). Also called: Beta-ureidopropionase deficiency. Identifiers: Orphanet 65287, MedGen C1291512, MONDO:0013164, OMIM 613161.

Allele frequency attached by ClinVar (database versions not stated): TOPMed below 0.00001; gnomAD 0.00001 and 0.00002.
gnomAD v4.1: 19 of 1,613,492 alleles (0.0012%); highest among the groups gnomAD compares: African/African-American, 0.02%; no homozygotes.

Submissions (5):

GeneDx
Classification: Likely pathogenic. Last evaluated: 2025-10-08. Review status: criteria provided, single submitter. Criteria: GeneDx Variant Classification Process June 2021. Collection method: clinical testing. Allele origin: germline. Affected: yes.
Comment: Published functional studies demonstrate a damaging effect as L13S leads to a loss of enzyme activity (PMID: 22525402); Not observed at significant frequency in large population cohorts (gnomAD); In silico analysis supports that this missense variant has a deleterious effect on protein structure/function; This variant is associated with the following publications: (PMID: 24526388, 27063261, 32707991, 22525402)

3billion
Classification: Uncertain significance for Deficiency of beta-ureidopropionase. Last evaluated: 2025-09-01. Review status: criteria provided, single submitter. Criteria: ACMG Guidelines, 2015. Collection method: clinical testing. Allele origin: germline. Affected: yes.
Comment: The variant is observed at an extremely low frequency in the gnomAD v4.1.0 dataset (total allele frequency: 0.001%). Predicted Consequence/Location: Missense variant. The majority of the known disease-causing variants of this gene are variants expected to result in premature termination of the protein. Functional studies provide supporting evidence of the variant having a damaging effect on the gene or gene product (PMID: 22525402). In silico tool predictions suggest damaging effect of the variant on gene or gene product [REVEL: 0.69 (>=0.6, sensitivity 0.68 and specificity 0.92)]. The same nucleotide change resulting in the same amino acid change has been previously reported to be associated with UPB1-related disorder (PMID: 22525402). However, the evidence of pathogenicity is insufficient at this time. Therefore, this variant is classified as VUS according to the recommendation of ACMG/AMP guideline.

Labcorp Genetics (formerly Invitae), Labcorp
Classification: Uncertain significance. Last evaluated: 2021-08-12. Review status: criteria provided, single submitter. Criteria: Invitae Variant Classification Sherloc (09022015). Collection method: clinical testing. Allele origin: germline.
Comment: This variant has been observed in individuals with clinical features of beta-ureidopropionase deficiency (PMID: 22525402; Invitae). This variant is not present in population databases (ExAC no frequency). This sequence change replaces leucine with serine at codon 13 of the UPB1 protein (p.Leu13Ser). The leucine residue is highly conserved and there is a large physicochemical difference between leucine and serine. ClinVar contains an entry for this variant (Variation ID: 1028017). In summary, the available evidence is currently insufficient to determine the role of this variant in disease. Therefore, it has been classified as a Variant of Uncertain Significance. Experimental studies have shown that this variant affects UPB1 function (PMID: 22525402). Algorithms developed to predict the effect of missense changes on protein structure and function (SIFT, PolyPhen-2, Align-GVGD) all suggest that this variant is likely to be disruptive.

Ambry Genetics
Classification: Uncertain significance for Inborn genetic diseases. Last evaluated: 2021-07-16. Review status: criteria provided, single submitter. Criteria: Ambry Variant Classification Scheme 2023. Collection method: clinical testing. Allele origin: germline.

Baylor Genetics
Classification: Uncertain significance for Deficiency of beta-ureidopropionase. Last evaluated: 2019-07-14. Review status: criteria provided, single submitter. Criteria: ACMG Guidelines, 2015. Collection method: clinical testing. Allele origin: unknown. Affected: yes.
Comment: This variant was determined to be of uncertain significance according to ACMG Guidelines, 2015 [PMID:25741868].

Literature cited by the submitters: PubMed 22525402 (cited by 3 submitters).

NM_016327.3(UPB1):c.38T>C (p.Leu13Ser)

Gene: UPB1 (beta-ureidopropionase 1; plus strand). Cytogenetic location: 22q11.23.
Variant type: single nucleotide variant.
Coding change: c.38T>C on transcript NM_016327.3 (MANE Select); coding-DNA position 38, T replaced by C.
Protein change: p.Leu13Ser; replaces leucine 13 with serine.
Molecular consequence: missense variant.
Genome position (GRCh38, 1-based): chr22:24,495,441, T>C. VCF-style: chr22-24495441-T-C. GRCh37 (hg19) VCF-style: chr22-24891409-T-C.
Other names: short protein forms L13S.
Identifiers: ClinVar variation 1028017 (VCV001028017.15), dbSNP rs200688546, ClinGen allele CA322661131.
Genomic context (GRCh38, chr22:24,495,441, plus strand): 5'-ACAAGCACTGGCGGACCGTGGCCATGGCGGGCGCTGAGTGGAAGTCGCTGGAGGAATGCT[T>C]GGAGAAGCACCTGCCGCTCCCCGACTTGCAGGAAGTGAAGCGCGTTCTCTATGGCAAGGA-3'
Protein context (NP_057411.1, residues 3-23): GAEWKSLEEC[Leu13Ser]EKHLPLPDLQ